The following is an entry in ClinVar:

ClinVar aggregate classification (germline): Pathogenic. Review status: reviewed by expert panel (3 of 4 stars). 6 submissions from 6 submitters: Pathogenic (1). 5 of the submissions do not count toward it. Last evaluated 2016-09-08.

Conditions:
Hereditary cancer-predisposing syndrome. Also called: Tumor predisposition; Hereditary Cancer Syndrome; Neoplastic Syndromes, Hereditary; Hereditary neoplastic syndrome. Identifiers: Orphanet 140162, MedGen C0027672, MeSH D009386, MONDO:0015356.
Hereditary breast ovarian cancer syndrome. Also called: Hereditary breast and ovarian cancer; Breast and ovarian cancer; Hereditary breast and/or ovarian cancer syndrome; BRCA1- and BRCA2-Associated Hereditary Breast and Ovarian Cancer; Hereditary breast and ovarian cancer syndrome; Hereditary breast and ovarian cancer syndrome (HBOC). Identifiers: Orphanet 145, MedGen C0677776, MeSH D061325, MONDO:0003582. Disease mechanism: loss of function.
Breast-ovarian cancer, familial, susceptibility to, 2 (BROVCA2). Also called: BRCA2 Hereditary Breast and Ovarian Cancer. Identifiers: Orphanet 145, MedGen C2675520, MONDO:0012933, OMIM 612555. Disease mechanism: loss of function.

Submissions (6):

Evidence-based Network for the Interpretation of Germline Mutant Alleles (ENIGMA)
Classification: Pathogenic for Breast-ovarian cancer, familial, susceptibility to, 2. Last evaluated: 2016-09-08. Review status: reviewed by expert panel. Criteria: ENIGMA BRCA1/2 Classification Criteria (2015). Collection method: curation. Allele origin: germline.
Comment: Variant allele predicted to encode a truncated non-functional protein.

Labcorp Genetics (formerly Invitae), Labcorp
Classification: Pathogenic for Hereditary breast ovarian cancer syndrome. Last evaluated: 2024-03-21. Review status: criteria provided, single submitter. Criteria: Invitae Variant Classification Sherloc (09022015). Collection method: clinical testing. Allele origin: germline. Not counted in ClinVar's aggregate classification.
Comment: This sequence change creates a premature translational stop signal (p.Asp1990Valfs*14) in the BRCA2 gene. It is expected to result in an absent or disrupted protein product. Loss-of-function variants in BRCA2 are known to be pathogenic (PMID: 20104584). This variant is not present in population databases (gnomAD no frequency). This premature translational stop signal has been observed in individual(s) with clinical features of BRCA2-related conditions (PMID: 21520333). ClinVar contains an entry for this variant (Variation ID: 254569). For these reasons, this variant has been classified as Pathogenic.

Ambry Genetics
Classification: Pathogenic for Hereditary cancer-predisposing syndrome. Last evaluated: 2020-01-14. Review status: criteria provided, single submitter. Criteria: Ambry Variant Classification Scheme 2023. Collection method: clinical testing. Allele origin: germline. Not counted in ClinVar's aggregate classification.
Comment: The c.5969delA pathogenic mutation, located in coding exon 10 of the BRCA2 gene, results from a deletion of one nucleotide at nucleotide position 5969, causing a translational frameshift with a predicted alternate stop codon (p.D1990Vfs*14). This alteration has been identified in an individual diagnosed with ovarian cancer (Lilyquist J et al. Gynecol. Oncol., 2017 11;147:375-380). In addition to the clinical data presented in the literature, this alteration is expected to result in loss of function by premature protein truncation or nonsense-mediated mRNA decay. As such, this alteration is interpreted as a disease-causing mutation.

Consortium of Investigators of Modifiers of BRCA1/2 (CIMBA), c/o University of Cambridge
Classification: Pathogenic for Breast-ovarian cancer, familial, susceptibility to, 2. Last evaluated: 2015-10-02. Review status: criteria provided, single submitter. Criteria: CIMBA Mutation Classification guidelines May 2016. Collection method: clinical testing. Allele origin: germline. Not counted in ClinVar's aggregate classification.

Clinical Genetics DNA and cytogenetics Diagnostics Lab, Erasmus MC, Erasmus Medical Center
Classification: Pathogenic for Breast-ovarian cancer, familial, susceptibility to, 2. Last evaluated: 2015-09-21. Review status: criteria provided, single submitter. Criteria: ACGS Guidelines, 2013. Collection method: clinical testing. Allele origin: germline. Affected: yes. Study: VKGL Data-share Consensus. Not counted in ClinVar's aggregate classification.

Diagnostic Laboratory, Department of Genetics, University Medical Center Groningen
Classification: Pathogenic for Breast-ovarian cancer, familial, susceptibility to, 2. Review status: no assertion criteria provided. Collection method: clinical testing. Allele origin: germline. Affected: yes. Study: VKGL Data-share Consensus. Not counted in ClinVar's aggregate classification.

Literature cited by the submitters: PubMed 20104584 (cited by Labcorp Genetics (formerly Invitae), Labcorp); PubMed 21520333 (cited by Labcorp Genetics (formerly Invitae), Labcorp); PubMed 28888541 (cited by Ambry Genetics).

NM_000059.4(BRCA2):c.5969del (p.Asp1990fs)

Gene: BRCA2 (BRCA2 DNA repair associated; plus strand). Cytogenetic location: 13q13.1.
Variant type: Deletion.
Coding change: c.5969del on transcript NM_000059.4 (MANE Select); coding-DNA position 5969, one base deleted (A; older notation c.5969delA).
Protein change: p.Asp1990fs; shifts the reading frame from aspartic acid 1990.
Molecular consequence: frameshift variant.
Genome position (GRCh38, 1-based): chr13:32,340,324, A deleted. VCF-style (leftmost placement, unchanged base first): chr13-32340323-GA-G. GRCh37 (hg19) VCF-style: chr13-32914460-GA-G.
Other names: c.5969delA (NM_000059.3).
Identifiers: ClinVar variation 254569 (VCV000254569.19), dbSNP rs886038135, ClinGen allele CA10586547.